The following is an entry in ClinVar:

ClinVar aggregate classification (germline): Uncertain significance. Review status: criteria provided, multiple submitters, no conflicts (2 of 4 stars). 2 submissions from 2 submitters: Uncertain significance (2). Last evaluated 2025-05-28.

Allele frequency attached by ClinVar (database versions not stated): TOPMed 0.00001.
gnomAD v4.1: 19 of 1,608,358 alleles (0.0012%); highest among the groups gnomAD compares: Non-Finnish European, 0.0015%; 1 homozygote.

Submissions (2):

Ambry Genetics
Classification: Uncertain significance. Last evaluated: 2025-05-28. Review status: criteria provided, single submitter. Criteria: Ambry Variant Classification Scheme 2023. Collection method: clinical testing. Allele origin: germline.

Labcorp Genetics (formerly Invitae), Labcorp
Classification: Uncertain significance. Last evaluated: 2023-09-05. Review status: criteria provided, single submitter. Criteria: Invitae Variant Classification Sherloc (09022015). Collection method: clinical testing. Allele origin: germline.
Comment: This sequence change replaces serine, which is neutral and polar, with cysteine, which is neutral and slightly polar, at codon 1353 of the TOP2B protein (p.Ser1353Cys). This variant is present in population databases (no rsID available, gnomAD 0.0009%). This variant has not been reported in the literature in individuals affected with TOP2B-related conditions. An algorithm developed to predict the effect of missense changes on protein structure and function (PolyPhen-2) suggests that this variant is likely to be disruptive. In summary, the available evidence is currently insufficient to determine the role of this variant in disease. Therefore, it has been classified as a Variant of Uncertain Significance.

NM_001330700.2(TOP2B):c.4073C>G (p.Ser1358Cys)

Gene: TOP2B (DNA topoisomerase II beta; minus strand). Cytogenetic location: 3p24.2.
Variant type: single nucleotide variant.
Coding change: c.4073C>G on transcript NM_001330700.2 (MANE Select); coding-DNA position 4073, C replaced by G.
Protein change: p.Ser1358Cys; replaces serine 1358 with cysteine.
Molecular consequence: missense variant.
Genome position (GRCh38, 1-based): chr3:25,609,203, G>C on the plus strand (C>G on the coding strand, the complement: TOP2B is on the minus strand). VCF-style: chr3-25609203-G-C. GRCh37 (hg19) VCF-style: chr3-25650694-G-C.
Other names: c.4058C>G (NM_001068.2); c.4058C>G, p.Ser1353Cys (NM_001068.3); short protein forms S1358C, S1353C.
Identifiers: ClinVar variation 2874657 (VCV002874657.4), dbSNP rs1409477202, ClinGen allele CA351893411.
Genomic context (GRCh38, chr3:25,609,203, plus strand): 5'-TAAACTATAATATACAGTAATATTAAATGTGTTACAATACCTGCTGCTCTCCTAAGCAAA[G>C]AATCTCTTGGAATAACCACAGGTTCTGTTTCTTCCAAATCACTTTCTGACTTGGATTCAT-3'
Protein context (NP_001317629.1, residues 1348-1368): ETEPVVIPRD[Ser1358Cys]LLRRAAAERP